The following is an entry in ClinVar:

NM_015215.4(CAMTA1):c.535T>G (p.Tyr179Asp)

Gene: CAMTA1 (calmodulin binding transcription activator 1; plus strand). Cytogenetic location: 1p36.23.
Variant type: single nucleotide variant.
Coding change: c.535T>G on transcript NM_015215.4 (MANE Select); coding-DNA position 535, T replaced by G.
Protein change: p.Tyr179Asp; replaces tyrosine 179 with aspartic acid.
Molecular consequence: missense variant.
Genome position (GRCh38, 1-based): chr1:7,640,424, T>G. VCF-style: chr1-7640424-T-G. GRCh37 (hg19) VCF-style: chr1-7700484-T-G.
Other names: c.445T>G, p.Tyr149Asp (NM_001349608.2, NM_001349612.2); c.535T>G, p.Tyr179Asp (NM_001349609.2, NM_001349610.2); short protein forms Y149D, Y179D.
Identifiers: ClinVar variation 1315075 (VCV001315075.2), dbSNP rs2148933817, ClinGen allele CA338112461.

ClinVar aggregate classification (germline): Uncertain significance (1 of 4 stars; one submission).

Submission:

GeneDx
Classification: Uncertain significance. Last evaluated: 2020-01-31. Review status: criteria provided, single submitter. Criteria: GeneDx Variant Classification Process June 2021. Collection method: clinical testing. Allele origin: germline. Affected: yes.
Comment: Not observed in large population cohorts (Lek et al., 2016); In silico analysis supports that this missense variant has a deleterious effect on protein structure/function; Has not been previously published as pathogenic or benign to our knowledge